The following is an entry in ClinVar:

ClinVar aggregate classification (germline): Uncertain significance. Review status: criteria provided, multiple submitters, no conflicts (2 of 4 stars). 2 submissions from 2 submitters: Uncertain significance (2). Last evaluated 2024-06-07.

Conditions:
Early-infantile DEE. Also called: Ohtahara syndrome; Early infantile epileptic encephalopathy; Early infantile epileptic encephalopathy with suppression bursts. Identifiers: Orphanet 1934, MedGen C0393706, MONDO:0800491.

Allele frequency attached by ClinVar (database versions not stated): TOPMed below 0.00001.

Submissions (2):

GeneDx
Classification: Uncertain significance. Last evaluated: 2024-06-07. Review status: criteria provided, single submitter. Criteria: GeneDx Variant Classification Process June 2021. Collection method: clinical testing. Allele origin: germline. Affected: yes.
Comment: Not observed at significant frequency in large population cohorts (gnomAD); This substitution is predicted to be within the transmembrane segment S6 of the fourth homologous domain; In silico analysis indicates that this missense variant does not alter protein structure/function; Has not been previously published as pathogenic or benign to our knowledge

Labcorp Genetics (formerly Invitae), Labcorp
Classification: Uncertain significance for Early-infantile DEE. Last evaluated: 2024-06-06. Review status: criteria provided, single submitter. Criteria: Invitae Variant Classification Sherloc (09022015). Collection method: clinical testing. Allele origin: germline.
Comment: This sequence change replaces valine, which is neutral and non-polar, with isoleucine, which is neutral and non-polar, at codon 1776 of the SCN1A protein (p.Val1776Ile). This variant is not present in population databases (gnomAD no frequency). This variant has not been reported in the literature in individuals affected with SCN1A-related conditions. ClinVar contains an entry for this variant (Variation ID: 206946). Advanced modeling of protein sequence and biophysical properties (such as structural, functional, and spatial information, amino acid conservation, physicochemical variation, residue mobility, and thermodynamic stability) performed at Invitae indicates that this missense variant is not expected to disrupt SCN1A protein function with a negative predictive value of 95%. In summary, the available evidence is currently insufficient to determine the role of this variant in disease. Therefore, it has been classified as a Variant of Uncertain Significance.

NM_001165963.4(SCN1A):c.5326G>A (p.Val1776Ile)

Genes: SCN1A (sodium voltage-gated channel alpha subunit 1; minus strand), LOC102724058 (uncharacterized LOC102724058; plus strand). Cytogenetic location: 2q24.3.
Variant type: single nucleotide variant.
Coding change: c.5326G>A on transcript NM_001165963.4 (MANE Select); coding-DNA position 5326, G replaced by A.
Protein change: p.Val1776Ile; replaces valine 1776 with isoleucine.
Molecular consequence: missense variant. On other transcripts: non-coding transcript variant (1).
Genome position (GRCh38, 1-based): chr2:165,991,949, C>T on the plus strand (G>A on the coding strand, the complement: SCN1A is on the minus strand). VCF-style: chr2-165991949-C-T. GRCh37 (hg19) VCF-style: chr2-166848459-C-T.
Other names: p.V1776I:GTT>ATT; c.5242G>A, p.Val1748Ile (NM_001165964.3, NM_001353957.2, NM_001353958.2); c.5326G>A, p.Val1776Ile (NM_001202435.3, NM_001353948.2); c.5293G>A, p.Val1765Ile (NM_001353949.2, NM_001353950.2, NM_001353951.2 and 2 more transcripts); c.5290G>A, p.Val1764Ile (NM_001353954.2, NM_001353955.2); c.5239G>A, p.Val1747Ile (NM_001353960.2); c.2884G>A, p.Val962Ile (NM_001353961.2); short protein forms V1765I, V1776I, V1764I, V962I, V1747I, V1748I.
Identifiers: ClinVar variation 206946 (VCV000206946.5), dbSNP rs796053101, ClinGen allele CA317820.